The following is an entry in ClinVar:

NM_020738.4(KIDINS220):c.1674G>A (p.Trp558Ter)

Gene: KIDINS220 (kinase D interacting substrate 220; minus strand). Cytogenetic location: 2p25.1.
Variant type: single nucleotide variant.
Coding change: c.1674G>A on transcript NM_020738.4 (MANE Select); coding-DNA position 1674, G replaced by A.
Protein change: p.Trp558Ter; replaces tryptophan 558 with a stop codon.
Molecular consequence: nonsense. On other transcripts: non-coding transcript variant (2).
Genome position (GRCh38, 1-based): chr2:8,788,760, C>T on the plus strand (G>A on the coding strand, the complement: KIDINS220 is on the minus strand). VCF-style: chr2-8788760-C-T. GRCh37 (hg19) VCF-style: chr2-8928890-C-T.
Other names: c.1677G>A, p.Trp559Ter (NM_001348729.2, NM_001348731.2, NM_001348734.2 and 3 more transcripts); c.1674G>A, p.Trp558Ter (NM_001348732.2, NM_001348735.2, NM_001348738.2 and 3 more transcripts); c.1548G>A, p.Trp516Ter (NM_001348736.2); short protein forms W516*, W558*, W559*.
Identifiers: ClinVar variation 5019659 (VCV005019659.2).
Genomic context (GRCh38, chr2:8,788,760, plus strand): 5'-CATCAATTTAAGGAGGAGTTCCAAATATCCAATATGTCTTGCCAATCTAGTGCTGAGGAC[C>T]CAGGCCCAATTCCAACTCTCTCCTTCTCTTCGTCCACCAAAGTAAATGACAACTGAAATT-3'

ClinVar aggregate classification (germline): Likely pathogenic (1 of 4 stars; one submission).

Conditions:
Ventriculomegaly and arthrogryposis. Identifiers: MedGen C5561973, MONDO:0859184, OMIM 619501.

Submission:

Juno Genomics, Hangzhou Juno Genomics, Inc
Classification: Likely pathogenic for Ventriculomegaly and arthrogryposis. Review status: criteria provided, single submitter. Criteria: ACMG Guidelines, 2015. Collection method: clinical testing. Allele origin: germline.
Comment: Absent from controls (or at extremely low frequency if recessive) in Genome Aggregation Database.;Null variant in a gene where loss of function (LOF) is a known mechanism of disease.